The following is an entry in ClinVar:

ClinVar aggregate classification (germline): Uncertain significance (1 of 4 stars; one submission).

Conditions:
Hereditary breast ovarian cancer syndrome. Also called: Hereditary breast and ovarian cancer syndrome (HBOC); Hereditary breast and ovarian cancer syndrome; Breast and ovarian cancer; Hereditary breast and/or ovarian cancer syndrome; Hereditary breast and ovarian cancer; BRCA1- and BRCA2-Associated Hereditary Breast and Ovarian Cancer. Identifiers: Orphanet 145, MedGen C0677776, MeSH D061325, MONDO:0003582. Disease mechanism: loss of function.

Submission:

Labcorp Genetics (formerly Invitae), Labcorp
Classification: Uncertain significance for Hereditary breast ovarian cancer syndrome. Last evaluated: 2017-02-01. Review status: criteria provided, single submitter. Criteria: Invitae Variant Classification Sherloc (09022015). Collection method: clinical testing. Allele origin: germline.
Comment: In summary, this variant is a novel missense change with uncertain impact on protein function. It has been classified as a Variant of Uncertain Significance. Algorithms developed to predict the effect of missense changes on protein structure and function do not agree on the potential impact of this missense change (SIFT: "Deleterious"; PolyPhen-2: "Probably Damaging"; Align-GVGD: "Class C0"). This variant is not present in population databases (ExAC no frequency) and has not been reported in the literature in individuals with a BRCA1-related disease. This sequence change replaces glycine with cysteine at codon 129 of the BRCA1 protein (p.Gly129Cys). The glycine residue is highly conserved and there is a large physicochemical difference between glycine and cysteine.

NM_007294.4(BRCA1):c.385G>T (p.Gly129Cys)

Gene: BRCA1 (BRCA1 DNA repair associated; minus strand). Cytogenetic location: 17q21.31.
Variant type: single nucleotide variant.
Coding change: c.385G>T on transcript NM_007294.4 (MANE Select); coding-DNA position 385, G replaced by T.
Protein change: p.Gly129Cys; replaces glycine 129 with cysteine.
Molecular consequence: missense variant. On other transcripts: non-coding transcript variant (1).
Genome position (GRCh38, 1-based): chr17:43,104,178, C>A on the plus strand (G>T on the coding strand, the complement: BRCA1 is on the minus strand). VCF-style: chr17-43104178-C-A. GRCh37 (hg19) VCF-style: chr17-41256195-C-A.
Other names: c.175G>T, p.Gly59Cys (NM_001407907.1, NM_001407910.1, NM_001407915.1 and 58 more transcripts); c.307G>T, p.Gly103Cys (NM_001408412.1, NM_001408413.1, NM_001408414.1 and 21 more transcripts); c.385G>T, p.Gly129Cys (NM_001408419.1, NM_001408418.1, NM_001407624.1 and 165 more transcripts); c.376G>T, p.Gly126Cys (NM_001407646.1, NM_001407647.1, NM_001408408.1); c.244G>T, p.Gly82Cys (NM_001407692.1, NM_001407694.1, NM_001407695.1 and 99 more transcripts); c.4G>T, p.Gly2Cys (NM_001407959.1, NM_001407960.1, NM_001407962.1 and 4 more transcripts); c.253G>T, p.Gly85Cys (NM_001408451.1); short protein forms G129C, G82C, G103C, G126C, G59C, G85C, G2C.
Identifiers: ClinVar variation 462625 (VCV000462625.10), dbSNP rs1555596362, ClinGen allele CA10601369.